The following is an entry in ClinVar:

NM_014625.4(NPHS2):c.431del (p.Pro144fs)

Gene: NPHS2 (NPHS2 stomatin family member, podocin; minus strand). Cytogenetic location: 1q25.2.
Variant type: Deletion.
Coding change: c.431del on transcript NM_014625.4 (MANE Select); coding-DNA position 431, one base deleted (C; older notation c.431delC).
Protein change: p.Pro144fs; shifts the reading frame from proline 144.
Molecular consequence: frameshift variant.
Genome position (GRCh38, 1-based): chr1:179,561,309, G deleted on the plus strand (C on the coding strand, the reverse complement: NPHS2 is on the minus strand); the first of 2 consecutive G bases (chr1:179,561,309-179,561,310); deleting either gives the same sequence. VCF-style (leftmost placement, unchanged base first): chr1-179561308-AG-A. GRCh37 (hg19) VCF-style: chr1-179530443-AG-A.
Other names: c.431del, p.Pro144fs (NM_001297575.2); short protein forms P144fs.
Identifiers: ClinVar variation 5015542 (VCV005015542.1).
Genomic context (GRCh38, chr1:179,561,308, plus strand): 5'-TCAGGAGAGAGGTGTTTAGAAAAAAAAGAGTGTTTTTTTACCAGGGCCTTTGGCTCTTCC[AG>A]GAAGCAGATGTCCCAGTCGGAATATAATTACTCTTTCATACTCTTGTACAACCTAAAGAG-3'

ClinVar aggregate classification (germline): Pathogenic (1 of 4 stars; one submission).

Conditions:
Nephrotic syndrome, type 2 (NPHS2). Also called: NEPHROTIC SYNDROME, STEROID-RESISTANT, AUTOSOMAL RECESSIVE. Identifiers: Orphanet 656, MedGen C1868672, MONDO:0010974, OMIM 600995.

Submission:

Myriad Genetics, Inc.
Classification: Pathogenic for Nephrotic syndrome, type 2. Last evaluated: 2026-02-12. Review status: criteria provided, single submitter. Criteria: Myriad Autosomal Dominant, Autosomal Recessive and X-Linked Classification Criteria (2023). Collection method: clinical testing. Allele origin: unknown.
Comment: NM_014625.2(NPHS2):c.431delC(P144Lfs*37) is expected to be pathogenic in the context of nephrotic syndrome, NPHS2-related. This variant is predicted to lead to an abnormal or absent protein product due to the creation of a premature termination codon in NPHS2, a gene where loss-of-function variants are known to be pathogenic. Please note: this variant was assessed in the context of healthy population screening.